The following is an entry in ClinVar:

NM_014956.5(CEP164):c.499G>A (p.Val167Met)

Gene: CEP164 (centrosomal protein 164; plus strand). Cytogenetic location: 11q23.3.
Variant type: single nucleotide variant.
Coding change: c.499G>A on transcript NM_014956.5 (MANE Select); coding-DNA position 499, G replaced by A.
Protein change: p.Val167Met; replaces valine 167 with methionine.
Molecular consequence: missense variant.
Genome position (GRCh38, 1-based): chr11:117,361,940, G>A. VCF-style: chr11-117361940-G-A. GRCh37 (hg19) VCF-style: chr11-117232656-G-A.
Other names: c.499G>A, p.Val167Met (NM_001271933.2); short protein forms V167M.
Identifiers: ClinVar variation 954071 (VCV000954071.9), dbSNP rs748619597, ClinGen allele CA6294499.

ClinVar aggregate classification (germline): Uncertain significance. Review status: criteria provided, multiple submitters, no conflicts (2 of 4 stars). 3 submissions from 3 submitters: Uncertain significance (3). Last evaluated 2023-10-14.

Conditions:
Nephronophthisis 15 (NPHP15). Identifiers: Orphanet 3156, MedGen C3541853, MONDO:0013917, OMIM 614845.
Inborn genetic diseases. Identifiers: MedGen C0950123, MeSH D030342.

Allele frequency attached by ClinVar (database versions not stated): gnomAD exomes 0.00002 and 0.00004; ExAC 0.00003; TOPMed 0.00003.
gnomAD v4.1: 36 of 1,609,556 alleles (0.0022%); highest among the groups gnomAD compares: East Asian, 0.031%; no homozygotes.

Submissions (3):

Ambry Genetics
Classification: Uncertain significance for Inborn genetic diseases. Last evaluated: 2023-10-14. Review status: criteria provided, single submitter. Criteria: Ambry Variant Classification Scheme 2023. Collection method: clinical testing. Allele origin: germline.

Fulgent Genetics
Classification: Uncertain significance for Nephronophthisis 15. Last evaluated: 2022-05-04. Review status: criteria provided, single submitter. Criteria: ACMG Guidelines, 2015. Collection method: clinical testing. Allele origin: unknown.

Labcorp Genetics (formerly Invitae), Labcorp
Classification: Uncertain significance for Nephronophthisis 15. Last evaluated: 2019-08-28. Review status: criteria provided, single submitter. Criteria: Invitae Variant Classification Sherloc (09022015). Collection method: clinical testing. Allele origin: germline.
Comment: In summary, the available evidence is currently insufficient to determine the role of this variant in disease. Therefore, it has been classified as a Variant of Uncertain Significance. Algorithms developed to predict the effect of missense changes on protein structure and function output the following: SIFT: "Tolerated"; PolyPhen-2: "Benign"; Align-GVGD: "Class C0". The methionine amino acid residue is found in multiple mammalian species, suggesting that this missense change does not adversely affect protein function. These predictions have not been confirmed by published functional studies and their clinical significance is uncertain. This variant has not been reported in the literature in individuals with CEP164-related conditions. This variant is present in population databases (rs748619597, ExAC 0.02%). This sequence change replaces valine with methionine at codon 167 of the CEP164 protein (p.Val167Met). The valine residue is highly conserved and there is a small physicochemical difference between valine and methionine.